The following is an entry in ClinVar:

ClinVar aggregate classification (germline): Conflicting classifications of pathogenicity. Review status: criteria provided, conflicting classifications (1 of 4 stars). 3 submissions from 3 submitters: Uncertain significance (2); Likely benign (1). Last evaluated 2023-03-23.

Conditions:
Hereditary cancer-predisposing syndrome. Also called: Hereditary neoplastic syndrome; Neoplastic Syndromes, Hereditary; Tumor predisposition; Hereditary Cancer Syndrome. Identifiers: Orphanet 140162, MedGen C0027672, MeSH D009386, MONDO:0015356.
Hereditary breast ovarian cancer syndrome. Also called: BRCA1- and BRCA2-Associated Hereditary Breast and Ovarian Cancer; Hereditary breast and ovarian cancer; Hereditary breast and/or ovarian cancer syndrome; Hereditary breast and ovarian cancer syndrome (HBOC); Breast and ovarian cancer; Hereditary breast and ovarian cancer syndrome. Identifiers: Orphanet 145, MedGen C0677776, MeSH D061325, MONDO:0003582. Disease mechanism: loss of function.

Submissions (3):

University of Washington Department of Laboratory Medicine, University of Washington
Classification: Likely benign for Hereditary cancer-predisposing syndrome. Last evaluated: 2023-03-23. Review status: criteria provided, single submitter. Criteria: Dines et al. (Genet Med. 2020). Collection method: curation. Allele origin: germline.
Comment: Missense variant in a coldspot region where missense variants are very unlikely to be pathogenic (PMID:31911673).

BRCA2 exon 11 coldspot. Reclassification based on statistical prior probability.

Labcorp Genetics (formerly Invitae), Labcorp
Classification: Uncertain significance for Hereditary breast ovarian cancer syndrome. Last evaluated: 2021-08-27. Review status: criteria provided, single submitter. Criteria: Invitae Variant Classification Sherloc (09022015). Collection method: clinical testing. Allele origin: germline.
Comment: This sequence change replaces serine with threonine at codon 1560 of the BRCA2 protein (p.Ser1560Thr). The serine residue is weakly conserved and there is a small physicochemical difference between serine and threonine. This variant is not present in population databases (ExAC no frequency). This variant has not been reported in the literature in individuals affected with BRCA2-related conditions. Advanced modeling of protein sequence and biophysical properties (such as structural, functional, and spatial information, amino acid conservation, physicochemical variation, residue mobility, and thermodynamic stability) performed at Invitae indicates that this missense variant is not expected to disrupt BRCA2 protein function. In summary, the available evidence is currently insufficient to determine the role of this variant in disease. Therefore, it has been classified as a Variant of Uncertain Significance.

Ambry Genetics
Classification: Uncertain significance for Hereditary cancer-predisposing syndrome. Last evaluated: 2020-08-26. Review status: criteria provided, single submitter. Criteria: Ambry Variant Classification Scheme 2023. Collection method: clinical testing. Allele origin: germline.
Comment: The p.S1560T variant (also known as c.4679G>C), located in coding exon 10 of the BRCA2 gene, results from a G to C substitution at nucleotide position 4679. The serine at codon 1560 is replaced by threonine, an amino acid with similar properties. This amino acid position is poorly conserved in available vertebrate species. In addition, this alteration is predicted to be tolerated by in silico analysis. Since supporting evidence is limited at this time, the clinical significance of this alteration remains unclear.

NM_000059.4(BRCA2):c.4679G>C (p.Ser1560Thr)

Gene: BRCA2 (BRCA2 DNA repair associated; plus strand). Cytogenetic location: 13q13.1.
Variant type: single nucleotide variant.
Coding change: c.4679G>C on transcript NM_000059.4 (MANE Select); coding-DNA position 4679, G replaced by C.
Protein change: p.Ser1560Thr; replaces serine 1560 with threonine.
Molecular consequence: missense variant.
Genome position (GRCh38, 1-based): chr13:32,339,034, G>C. VCF-style: chr13-32339034-G-C. GRCh37 (hg19) VCF-style: chr13-32913171-G-C.
Other names: short protein forms S1560T.
Identifiers: ClinVar variation 1507739 (VCV001507739.8), dbSNP rs2137508985, ClinGen allele CA387782812.
Genomic context (GRCh38, chr13:32,339,034, plus strand): 5'-ACAAAGTGAAAAACCTTTTTGATGAAAAAGAGCAAGGTACTAGTGAAATCACCAGTTTTA[G>C]CCATCAATGGGCAAAGACCCTAAAGTACAGAGAGGCCTGTAAAGACCTTGAATTAGCATG-3'
Protein context (NP_000050.3, residues 1550-1570): EQGTSEITSF[Ser1560Thr]HQWAKTLKYR